The following is an entry in ClinVar:

ClinVar aggregate classification (germline): Conflicting classifications of pathogenicity. Review status: criteria provided, conflicting classifications (1 of 4 stars). 5 submissions from 5 submitters: Likely pathogenic (3); Uncertain significance (1). 1 of the submissions does not count toward it. Last evaluated 2024-04-24.

Conditions:
Mitochondrial trifunctional protein deficiency 2 (MTPD2). Identifiers: MedGen C5830374, MONDO:0958185, OMIM 620300.
Mitochondrial trifunctional protein deficiency 1 (MTPD1). Identifiers: MedGen CN376812, MONDO:0958181, OMIM 609015.

Allele frequency attached by ClinVar (database versions not stated): gnomAD exomes below 0.00001; ExAC 0.00001; TOPMed 0.00001; ESP Exome Variant Server 0.00008.
gnomAD v4.1: 4 of 1,613,860 alleles (0.00025%); highest among the groups gnomAD compares: East Asian, 0.0022%; no homozygotes.

Submissions (5):

Fulgent Genetics
Classification: Likely pathogenic for Mitochondrial trifunctional protein deficiency 2. Last evaluated: 2024-04-24. Review status: criteria provided, single submitter. Criteria: ACMG Guidelines, 2015. Collection method: clinical testing. Allele origin: germline.

Women's Health and Genetics/Laboratory Corporation of America, LabCorp
Classification: Uncertain significance. Last evaluated: 2024-04-24. Review status: criteria provided, single submitter. Criteria: LabCorp Variant Classification Summary - May 2015. Collection method: clinical testing. Allele origin: germline.
Comment: Variant summary: HADHB c.686G>A (p.Arg229Gln) results in a conservative amino acid change located in the Thiolase, N-terminal (IPR020616) of the encoded protein sequence. Three of five in-silico tools predict a damaging effect of the variant on protein function. The variant allele was found at a frequency of 4e-06 in 251326 control chromosomes (gnomAD). c.686G>A has been reported in the literature in individuals affected with features of Mitochondrial Trifunctional Protein Deficiency (Madsen_2019, Guan_2021). These data indicate that the variant may be associated with disease. To our knowledge, no experimental evidence demonstrating an impact on protein function has been reported. The following publications have been ascertained in the context of this evaluation (PMID: 30990523, 34712195). ClinVar contains an entry for this variant (Variation ID: 429516). Based on the evidence outlined above, the variant was classified as VUS-possibly pathogenic.

Baylor Genetics
Classification: Likely pathogenic for Mitochondrial trifunctional protein deficiency 1. Last evaluated: 2023-11-28. Review status: criteria provided, single submitter. Criteria: ACMG Guidelines, 2015. Collection method: clinical testing. Allele origin: unknown.

GeneDx
Classification: Likely pathogenic. Last evaluated: 2019-07-02. Review status: criteria provided, single submitter. Criteria: GeneDx Variant Classification Process June 2021. Collection method: clinical testing. Allele origin: germline. Affected: yes.
Comment: Not observed at a significant frequency in large population cohorts (Lek et al., 2016); In silico analysis, which includes protein predictors and evolutionary conservation, supports a deleterious effect; This variant is associated with the following publications: (PMID: 30990523)

Hong-Tao Li Lab, Institute of Brain Science and Brain-inspired Research, Shandong First Medical University & Shandong Academy of Medical Sciences China
Classification: Pathogenic for Mitochondrial trifunctional protein deficiency 2. Review status: no assertion criteria provided. Collection method: research. Allele origin: germline. Inheritance: Autosomal recessive inheritance. Affected: yes. Observed: 1 variant allele, 1 homozygote. Not counted in ClinVar's aggregate classification.
Comment: Observed in affected individuals from a Pakistani neurodevelopmental-disorder research cohort of 263 individuals. Classification assigned using the ACMG/AMP framework. Population-frequency evidence: gnomAD AF 3.979e-06.

Literature cited by the submitters: PubMed 34712195 (cited by Women's Health and Genetics/Laboratory Corporation of America, LabCorp); PubMed 30990523 (cited by Women's Health and Genetics/Laboratory Corporation of America, LabCorp).

NM_000183.3(HADHB):c.686G>A (p.Arg229Gln)

Gene: HADHB (hydroxyacyl-CoA dehydrogenase trifunctional multienzyme complex subunit beta; plus strand). Cytogenetic location: 2p23.3.
Variant type: single nucleotide variant.
Coding change: c.686G>A on transcript NM_000183.3 (MANE Select); coding-DNA position 686, G replaced by A.
Protein change: p.Arg229Gln; replaces arginine 229 with glutamine.
Molecular consequence: missense variant.
Genome position (GRCh38, 1-based): chr2:26,279,190, G>A. VCF-style: chr2-26279190-G-A. GRCh37 (hg19) VCF-style: chr2-26502058-G-A.
Other names: c.641G>A, p.Arg214Gln (NM_001281512.2); c.620G>A, p.Arg207Gln (NM_001281513.2); short protein forms R229Q, R207Q, R214Q.
Identifiers: ClinVar variation 429516 (VCV000429516.8), dbSNP rs375654005, ClinGen allele CA1560315.